The following is an entry in ClinVar:

ClinVar aggregate classification (germline): Uncertain significance (1 of 4 stars; one submission).

Conditions:
Developmental and epileptic encephalopathy 94 (DEE94). Also called: Epileptic encephalopathy, childhood-onset; CHD2-Related Neurodevelopmental Disorders. Identifiers: Orphanet 1942, Orphanet 2382, MedGen C3809278, MONDO:0014150, OMIM 615369.

Submission:

Labcorp Genetics (formerly Invitae), Labcorp
Classification: Uncertain significance for Developmental and epileptic encephalopathy 94. Last evaluated: 2022-09-01. Review status: criteria provided, single submitter. Criteria: Invitae Variant Classification Sherloc (09022015). Collection method: clinical testing. Allele origin: germline.
Comment: In summary, the available evidence is currently insufficient to determine the role of this variant in disease. Therefore, it has been classified as a Variant of Uncertain Significance. Advanced modeling of protein sequence and biophysical properties (such as structural, functional, and spatial information, amino acid conservation, physicochemical variation, residue mobility, and thermodynamic stability) performed at Invitae indicates that this missense variant is not expected to disrupt CHD2 protein function. This variant has not been reported in the literature in individuals affected with CHD2-related conditions. This variant is not present in population databases (gnomAD no frequency). This sequence change replaces asparagine, which is neutral and polar, with aspartic acid, which is acidic and polar, at codon 1625 of the CHD2 protein (p.Asn1625Asp).

NM_001271.4(CHD2):c.4873A>G (p.Asn1625Asp)

Gene: CHD2 (chromodomain helicase DNA binding protein 2; plus strand). Cytogenetic location: 15q26.1.
Variant type: single nucleotide variant.
Coding change: c.4873A>G on transcript NM_001271.4 (MANE Select); coding-DNA position 4873, A replaced by G.
Protein change: p.Asn1625Asp; replaces asparagine 1625 with aspartic acid.
Molecular consequence: missense variant.
Genome position (GRCh38, 1-based): chr15:93,014,876, A>G. VCF-style: chr15-93014876-A-G. GRCh37 (hg19) VCF-style: chr15-93558106-A-G.
Other names: short protein forms N1625D.
Identifiers: ClinVar variation 1929091 (VCV001929091.5), dbSNP rs1403545040, ClinGen allele CA393906881.
Genomic context (GRCh38, chr15:93,014,876, plus strand): 5'-AAGCCTCATTTGCCTGCCTCCCATGGCCCACAGATGCATGGACACCCAAGAGATAACTAC[A>G]ATCACCCCAACAAGAGACACTTCAGTAATGCAGGTAGGTCATTAAGTGGAGTTTTTAAAA-3'
Protein context (NP_001262.3, residues 1615-1635): QMHGHPRDNY[Asn1625Asp]HPNKRHFSNA